The following is an entry in ClinVar:

ClinVar aggregate classification (germline): Pathogenic (1 of 4 stars; one submission).

Conditions:
Maple syrup urine disease (MSUD). Identifiers: Orphanet 511, MedGen C0024776, MeSH D008375, MONDO:0009563. Disease mechanism: loss of function.

Submission:

Labcorp Genetics (formerly Invitae), Labcorp
Classification: Pathogenic for Maple syrup urine disease. Last evaluated: 2022-06-26. Review status: criteria provided, single submitter. Criteria: Invitae Variant Classification Sherloc (09022015). Collection method: clinical testing. Allele origin: germline.
Comment: Disruption of this splice site has been observed in individual(s) with maple syrup urine disease (PMID: 26257134). This variant is not present in population databases (gnomAD no frequency). This sequence change affects an acceptor splice site in intron 1 of the BCKDHB gene. It is expected to disrupt RNA splicing. Variants that disrupt the donor or acceptor splice site typically lead to a loss of protein function (PMID: 16199547), and loss-of-function variants in BCKDHB are known to be pathogenic (PMID: 16786533, 22593002). For these reasons, this variant has been classified as Pathogenic. Algorithms developed to predict the effect of sequence changes on RNA splicing suggest that this variant may disrupt the consensus splice site.

Literature cited by the submitters: PubMed 26257134; PubMed 16199547; PubMed 16786533; PubMed 22593002.

NM_183050.4(BCKDHB):c.197-2A>C

Gene: BCKDHB (branched chain keto acid dehydrogenase E1 subunit beta; plus strand). Cytogenetic location: 6q14.1.
Variant type: single nucleotide variant.
Coding change: c.197-2A>C on transcript NM_183050.4 (MANE Select); the canonical splice acceptor site of the intron before coding-DNA position 197, A replaced by C.
Molecular consequence: splice acceptor variant.
Genome position (GRCh38, 1-based): chr6:80,127,545, A>C. VCF-style: chr6-80127545-A-C. GRCh37 (hg19) VCF-style: chr6-80837262-A-C.
Other names: c.-14-2A>C (NM_001318975.1); c.197-2A>C (NM_000056.5).
Identifiers: ClinVar variation 2010895 (VCV002010895.4), dbSNP rs869312127, ClinGen allele CA364658941.